The following is an entry in ClinVar:

NM_024592.5(SRD5A3):c.*2589G>A

Genes: SRD5A3-AS1 (SRD5A3 antisense RNA 1; minus strand), SRD5A3 (steroid 5 alpha-reductase 3; plus strand). Cytogenetic location: 4q12.
Variant type: single nucleotide variant.
Coding change: c.*2589G>A on transcript NM_024592.5 (MANE Select); 2589 bases downstream of the stop codon, G replaced by A.
Molecular consequence: 3 prime UTR variant.
Genome position (GRCh38, 1-based): chr4:55,372,680, G>A. VCF-style: chr4-55372680-G-A. GRCh37 (hg19) VCF-style: chr4-56238847-G-A.
Identifiers: ClinVar variation 349047 (VCV000349047.6), dbSNP rs819271, ClinGen allele CA10617919.

ClinVar aggregate classification (germline): Benign. Review status: criteria provided, multiple submitters, no conflicts (2 of 4 stars). 2 submissions from 2 submitters: Benign (2). Last evaluated 2018-01-13.

Conditions:
SRD5A3-congenital disorder of glycosylation. Also called: CDG Iq; COLOBOMA, OCULAR, WITH ICHTHYOSIS, BRAIN MALFORMATIONS, AND ENDOCRINE ABNORMALITIES; Ocular colobomas, ichthyosis, brain malformations and endocrine abnormalities; Congenital disorder of glycosylation type 1Q; SRD5A3-CDG. Identifiers: Orphanet 324737, MedGen C4317224, MONDO:0012885, OMIM 612379.

Allele frequency attached by ClinVar (database versions not stated): TOPMed 0.71316; gnomAD 0.71550 and 0.71756; 1000 Genomes Project 0.75000; 1000 Genomes Project 30x 0.75016.

Submissions (2):

Illumina Laboratory Services, Illumina
Classification: Benign for SRD5A3-congenital disorder of glycosylation. Last evaluated: 2018-01-13. Review status: criteria provided, single submitter. Criteria: ICSL Variant Classification Criteria 13 December 2019. Collection method: clinical testing. Allele origin: germline.
Comment: This variant was observed in the ICSL laboratory as part of a predisposition screen in an ostensibly healthy population. It had not been previously curated by ICSL or reported in the Human Gene Mutation Database (HGMD: prior to June 1st, 2018), and was therefore a candidate for classification through an automated scoring system. Utilizing variant allele frequency, disease prevalence and penetrance estimates, and inheritance mode, an automated score was calculated to assess if this variant is too frequent to cause the disease. Based on the score and internal cut-off values, a variant classified as benign is not then subjected to further curation. The score for this variant resulted in a classification of benign for this disease.

Breakthrough Genomics
Classification: Benign. Review status: criteria provided, single submitter. Criteria: ACMG Guidelines, 2015. Collection method: not provided. Allele origin: germline. Inheritance: Autosomal recessive inheritance. Affected: yes.